The following is an entry in ClinVar:

ClinVar aggregate classification (germline): Likely pathogenic. Review status: reviewed by expert panel (3 of 4 stars). 7 submissions from 7 submitters: Likely pathogenic (1). 6 of the submissions do not count toward it. Last evaluated 2021-09-27.

Conditions:
Cardiovascular phenotype. Identifiers: MedGen CN230736.
Hypertrophic cardiomyopathy 1 (CMH1). Also called: Familial hypertrophic cardiomyopathy 1; MYH7-Related Familial Hypertrophic Cardiomyopathy. Identifiers: MedGen C3495498, MONDO:0008647, OMIM 192600.
Hypertrophic cardiomyopathy. Also called: HYPERTROPHIC MYOCARDIOPATHY. Identifiers: Orphanet 217569, MedGen C0007194, MeSH D002312, MONDO:0005045, HP:0001639.

Submissions (7):

ClinGen Cardiomyopathy Variant Curation Expert Panel
Classification: Likely pathogenic for Hypertrophic cardiomyopathy. Last evaluated: 2021-09-27. Review status: reviewed by expert panel. Criteria: ClinGen CMP ACMG Specifications v1. Collection method: curation. Allele origin: germline.
Comment: This variant segregated with disease in 6 affected relatives with HCM from 3 families (PP1_Moderate, GeneDx pers. comm.; Invitae pers. comm.; LMM pers. comm.). This variant was absent from large population studies (PM2; gnomAD v2.1.1). This variant lies in the head region of the protein (aa 181-937) and missense variants in this region are statistically more likely to be associated with HCM (PM1; Walsh 2017 PMID:27532257). Computational prediction tools and conservation analyses do not provide strong support for or against an impact to the protein. In summary, this variant meets criteria to be classified as likely pathogenic for hypertrophic cardiomyopathy in an autosomal dominant manner. MYH7-specific ACMG/AMP criteria applied (Kelly 2018 PMID:29300372): PS4_Moderate, PP1_Moderate; PM2, PM1.

Labcorp Genetics (formerly Invitae), Labcorp
Classification: Pathogenic for Hypertrophic cardiomyopathy. Last evaluated: 2025-06-15. Review status: criteria provided, single submitter. Criteria: Invitae Variant Classification Sherloc (09022015). Collection method: clinical testing. Allele origin: germline. Not counted in ClinVar's aggregate classification.
Comment: This sequence change replaces valine, which is neutral and non-polar, with methionine, which is neutral and non-polar, at codon 338 of the MYH7 protein (p.Val338Met). This variant is not present in population databases (gnomAD no frequency). This missense change has been observed in individuals with hypertrophic cardiomyopathy (PMID: 23690394, 27247418, 27532257, 32746448; internal data). It has also been observed to segregate with disease in related individuals. ClinVar contains an entry for this variant (Variation ID: 164381). Invitae Evidence Modeling of protein sequence and biophysical properties (such as structural, functional, and spatial information, amino acid conservation, physicochemical variation, residue mobility, and thermodynamic stability) indicates that this missense variant is expected to disrupt MYH7 protein function with a positive predictive value of 95%. For these reasons, this variant has been classified as Pathogenic.

Victorian Clinical Genetics Services, Murdoch Childrens Research Institute
Classification: Likely pathogenic for Hypertrophic cardiomyopathy 1. Last evaluated: 2024-12-30. Review status: criteria provided, single submitter. Criteria: ACMG Guidelines, 2015. Collection method: clinical testing. Allele origin: germline. Affected: yes. Not counted in ClinVar's aggregate classification.
Comment: This variant is classified as Likely pathogenic. Evidence in support of pathogenic classification: Variant is absent from gnomAD (v2, v3 and v4); This variant has strong previous evidence of pathogenicity in unrelated individuals. It has been classified as likely pathogenic by the ClinGen Cardiomyopathy Variant Curation Expert Panel and multiple clinical laboratories (ClinVar); Variant is located in a hotspot region or cluster of pathogenic variants. This variant is found within the head region, which is enriched with pathogenic missense variants (PMID: 29300372). Additional information: Variant is predicted to result in a missense amino acid change from valine to methionine; This variant is heterozygous; This gene is associated with both recessive and dominant disease. Disease associated with this gene usually has autosomal dominant inheritance; however, a recessive inheritance pattern has been observed in severe cases (OMIM); The mechanism of disease for this gene is not clearly established; however, missense variants have been proposed to act in a dominant negative manner (PMID: 24714796); The condition associated with this gene has incomplete penetrance (PMID: 29300372); Inheritance information for this variant is not currently available in this individual.

GeneDx
Classification: Likely pathogenic. Last evaluated: 2024-11-11. Review status: criteria provided, single submitter. Criteria: GeneDx Variant Classification Process June 2021. Collection method: clinical testing. Allele origin: germline. Affected: yes. Not counted in ClinVar's aggregate classification.
Comment: Reported in the published literature in association with cardiomyopathy (PMID: 25228707, 23690394, 27532257, 33658374, 28771489); In silico analysis indicates that this missense variant does not alter protein structure/function; Not observed at significant frequency in large population cohorts (gnomAD); This variant is associated with the following publications: (PMID: 25228707, 27247418, 23690394, 20474083, 27532257, 29300372, 28606303, 32746448, 37652022, 32826072, 33658374, 28771489, 28241245, 23549607)

Ambry Genetics
Classification: Likely pathogenic for Cardiovascular phenotype. Last evaluated: 2021-07-12. Review status: criteria provided, single submitter. Criteria: Ambry Variant Classification Scheme 2023. Collection method: clinical testing. Allele origin: germline. Not counted in ClinVar's aggregate classification.
Comment: The p.V338M variant (also known as c.1012G>A), located in coding exon 10 of the MYH7 gene, results from a G to A substitution at nucleotide position 1012. The valine at codon 338 is replaced by methionine, an amino acid with highly similar properties. This alteration is located in the myosin head domain, which contains a statistically significant clustering of pathogenic missense variants (Homburger JR et al. Proc Natl Acad Sci U S A, 2016 06;113:6701-6; Walsh R et al. Genet Med, 2017 02;19:192-203; Ambry internal data). This alteration has been detected in several individuals from hypertrophic cardiomyopathy (HCM) cohorts and cohorts referred for HCM genetic testing, and has shown some segregation with disease (Ho CY et al. Circ Cardiovasc Imaging, 2013 May;6:415-22; Captur G et al. Circ Cardiovasc Imaging. 2014;7:863-71; Homburger JR et al. Proc Natl Acad Sci USA. 2016;113(24):6701-6; Walsh R et al. Genet Med. 2017;19(2):192-203; Chida A et al. Heart Vessels. 2017 Jun;32(6):700-707; Mademont-Soler I et al. PLoS One. 2017 Aug;12(8):e0181465). In addition, this alteration has been detected by an outside laboratory in two probands reported to have HCM, and was reported to segregate with disease in multiple affected individuals from one family (LMM pers. comm.). This amino acid position is well conserved in available vertebrate species. In addition, the in silico prediction for this alteration is inconclusive. Based on the majority of available evidence to date, this variant is likely to be pathogenic.

Laboratory for Molecular Medicine, Mass General Brigham Personalized Medicine
Classification: Likely pathogenic for Hypertrophic cardiomyopathy. Last evaluated: 2014-11-20. Review status: criteria provided, single submitter. Criteria: LMM Criteria. Collection method: clinical testing. Allele origin: germline. Inheritance: Autosomal dominant inheritance. Observed: 19 variant alleles. Not counted in ClinVar's aggregate classification.
Comment: The p.Val338Met variant in MYH7 has been identified by our laboratory in 2 indiv iduals with HCM and segregated with disease in 5 affected relatives from 1 famil y. Of note, affected individuals are reported to have varying ages of onset (age 3 - 50's). This variant was also identified in 2 teenagers with early signs of left ventricular wall thickening and in 3 asymptomatic obligate carriers. This v ariant was absent from large population studies. Computational prediction tools and conservation analyses do not provide strong evidence for or against an impac t to the protein. In summary, although additional studies are required to fully establish its clinical significance, the p.Val338Met variant is likely pathogeni c.

Stanford Center for Inherited Cardiovascular Disease, Stanford University
Classification: Likely pathogenic. Last evaluated: 2013-04-17. Review status: criteria provided, single submitter. Criteria: ACMG Guidelines, 2015. Collection method: provider interpretation. Allele origin: germline. Not counted in ClinVar's aggregate classification.

Literature cited by the submitters: PubMed 23690394 (cited by 3 submitters); PubMed 27247418 (cited by Labcorp Genetics (formerly Invitae), Labcorp and Ambry Genetics); PubMed 27532257 (cited by Labcorp Genetics (formerly Invitae), Labcorp and Ambry Genetics); PubMed 32746448 (cited by Labcorp Genetics (formerly Invitae), Labcorp); PubMed 29300372 (cited by Victorian Clinical Genetics Services, Murdoch Childrens Research Institute); PubMed 24714796 (cited by Victorian Clinical Genetics Services, Murdoch Childrens Research Institute); PubMed 20474083 (cited by Ambry Genetics); PubMed 23549607 (cited by Ambry Genetics); PubMed 25228707 (cited by Ambry Genetics); PubMed 25611685 (cited by Ambry Genetics); PubMed 28241245 (cited by Ambry Genetics); PubMed 28606303 (cited by Ambry Genetics); PubMed 28771489 (cited by Ambry Genetics).

NM_000257.4(MYH7):c.1012G>A (p.Val338Met)

Gene: MYH7 (myosin heavy chain 7; minus strand). Cytogenetic location: 14q11.2.
Variant type: single nucleotide variant.
Coding change: c.1012G>A on transcript NM_000257.4 (MANE Select); coding-DNA position 1012, G replaced by A.
Protein change: p.Val338Met; replaces valine 338 with methionine.
Molecular consequence: missense variant.
Genome position (GRCh38, 1-based): chr14:23,429,901, C>T on the plus strand (G>A on the coding strand, the complement: MYH7 is on the minus strand). VCF-style: chr14-23429901-C-T. GRCh37 (hg19) VCF-style: chr14-23899110-C-T.
Other names: p.V338M:GTG>ATG; NM_000257.4(MYH7):c.1012G>A; short protein forms V338M.
Identifiers: ClinVar variation 164381 (VCV000164381.20), dbSNP rs727503271, ClinGen allele CA010061.
Genomic context (GRCh38, chr14:23,429,901, plus strand): 5'-GCATGATGGCGCCTGTCAGCTTATACATGGAGTTTTTCTCCTCTGAAGTGAAGCCCAGCA[C>T]ATCAAAAGCGTTCTGTAGGGAGGCCCCATATTGGCGGACCCCAGAAAAAGAAGTATGATG-3'
Protein context (NP_000248.2, residues 328-348): ELMATDNAFD[Val338Met]LGFTSEEKNS